The following is an entry in ClinVar:

NM_001367805.3(KIF23):c.213T>C (p.Thr71=)

Gene: KIF23 (kinesin family member 23; plus strand). Cytogenetic location: 15q23.
Variant type: single nucleotide variant.
Coding change: c.213T>C on transcript NM_001367805.3 (MANE Select); coding-DNA position 213, T replaced by C.
Protein change: p.Thr71=; no amino-acid change (threonine 71 retained).
Molecular consequence: synonymous variant. On other transcripts: missense variant (1), non-coding transcript variant (2).
Genome position (GRCh38, 1-based): chr15:69,421,649, T>C. VCF-style: chr15-69421649-T-C. GRCh37 (hg19) VCF-style: chr15-69713988-T-C.
Other names: p.Thr71=; c.20T>C, p.Leu7Pro (NM_001281301.2); c.213T>C, p.Thr71= (NM_001367804.2, NM_004856.7, NM_138555.4); short protein forms L7P.
Identifiers: ClinVar variation 1325939 (VCV001325939.39), dbSNP rs145233110, ClinGen allele CA7634847.
Genomic context (GRCh38, chr15:69,421,649, plus strand): 5'-ATTTTTAGCCTAGATAATAGTGGAATTCTATTTAGTGCATTTTTTTCTCTCTCCACAGAC[T>C]CAGTATTCATTTAAACAAGTATTTGGCACTCACACCACCCAGAAGGAACTCTTTGATGTT-3'
Protein context (NP_001354734.1, residues 61-81): RLNRNGDYKE[Thr71=]QYSFKQVFGT

ClinVar aggregate classification (germline): Benign/Likely benign. Review status: criteria provided, multiple submitters, no conflicts (2 of 4 stars). 5 submissions from 5 submitters: Benign (1); Likely benign (4). Last evaluated 2026-08-01.

Allele frequency attached by ClinVar (database versions not stated): 1000 Genomes Project 30x 0.00047; gnomAD 0.00055 and 0.00057; 1000 Genomes Project 0.00060; gnomAD exomes 0.00060 and 0.00075; ExAC 0.00063; TOPMed 0.00066; ESP Exome Variant Server 0.00077.

Submissions (5):

CeGaT Center for Human Genetics Tuebingen
Classification: Likely benign. Last evaluated: 2026-08-01. Review status: criteria provided, single submitter. Criteria: CeGaT Center For Human Genetics Tuebingen Variant Classification Criteria Version 2. Collection method: clinical testing. Allele origin: germline. Affected: yes. Observed: 5 variant alleles.
Comment: KIF23: BP4, BP7

Labcorp Genetics (formerly Invitae), Labcorp
Classification: Benign. Last evaluated: 2026-01-06. Review status: criteria provided, single submitter. Criteria: Invitae Variant Classification Sherloc (09022015). Collection method: clinical testing. Allele origin: germline.

Mayo Clinic Laboratories, Mayo Clinic
Classification: Likely benign. Last evaluated: 2025-04-22. Review status: criteria provided, single submitter. Criteria: ACMG Guidelines, 2015. Collection method: clinical testing. Allele origin: germline. Observed: 3 variant alleles.

Blueprint Genetics
Classification: Likely benign. Last evaluated: 2024-11-27. Review status: criteria provided, single submitter. Criteria: ACMG Guidelines, 2015. Collection method: clinical testing. Allele origin: germline.

GeneDx
Classification: Likely benign. Last evaluated: 2021-04-30. Review status: criteria provided, single submitter. Criteria: GeneDx Variant Classification Process June 2021. Collection method: clinical testing. Allele origin: germline. Affected: yes.